The following is an entry in ClinVar:

ClinVar aggregate classification (germline): Likely benign. Review status: criteria provided, multiple submitters, no conflicts (2 of 4 stars). 5 submissions from 5 submitters: Likely benign (5). Last evaluated 2025-08-03.

Conditions:
Hypercholesterolemia, autosomal dominant, type B (FHCL2). Also called: Familial Hypercholesterolemia Type B; APOB-Related Familial Hypercholesterolemia, Autosomal Dominant; Hyperlipoproteinemia Type IIb; APOLIPOPROTEIN B-100, FAMILIAL DEFECTIVE; APOLIPOPROTEIN B-100, FAMILIAL LIGAND-DEFECTIVE; HYPERCHOLESTEROLEMIA, FAMILIAL, DUE TO LIGAND-DEFECTIVE APOLIPOPROTEIN B. Identifiers: MedGen C1704417, MONDO:0007751, OMIM 144010.
Familial hypobetalipoproteinemia 1. Also called: APOB-Related Familial Hypobetalipoproteinemia; Hypobetalipoproteinemia, normotriglyceridemic; Acanthocytosis with hypobetalipoproteinemia. Identifiers: MedGen C4551990, MONDO:0014252, OMIM 615558.
Cardiovascular phenotype. Identifiers: MedGen CN230736.
Familial hypercholesterolemia. Also called: Familial hypercholesterolemias; Familial hypercholesterolaemia. Identifiers: MedGen C0020445, MONDO:0005439.

Allele frequency attached by ClinVar (database versions not stated): gnomAD 0.00002.
gnomAD v4.1: 25 of 1,612,928 alleles (0.0015%); highest among the groups gnomAD compares: Middle Eastern, 0.016%; no homozygotes.

Submissions (5):

Labcorp Genetics (formerly Invitae), Labcorp
Classification: Likely benign for Familial hypobetalipoproteinemia 1; Hypercholesterolemia, autosomal dominant, type B. Last evaluated: 2025-08-03. Review status: criteria provided, single submitter. Criteria: Invitae Variant Classification Sherloc (09022015). Collection method: clinical testing. Allele origin: germline.

GENinCode PLC
Classification: Likely benign for Familial hypercholesterolemia. Last evaluated: 2025-01-09. Review status: criteria provided, single submitter. Criteria: ACMG Guidelines, 2015. Collection method: clinical testing. Allele origin: germline.
Comment: This is a synonymous (silent) variant that is not predicted to impact splicing and occurs at a nucleotide which is not highly conserved. This variant has been classified as Likely Benign (BP4, BP7).

Blueprint Genetics
Classification: Likely benign. Last evaluated: 2024-06-10. Review status: criteria provided, single submitter. Criteria: ACMG Guidelines, 2015. Collection method: clinical testing. Allele origin: germline.

Ambry Genetics
Classification: Likely benign for Cardiovascular phenotype. Last evaluated: 2024-01-15. Review status: criteria provided, single submitter. Criteria: Ambry Variant Classification Scheme 2023. Collection method: clinical testing. Allele origin: germline.

Fulgent Genetics
Classification: Likely benign for Hypercholesterolemia, autosomal dominant, type B; Familial hypobetalipoproteinemia 1. Last evaluated: 2021-09-30. Review status: criteria provided, single submitter. Criteria: ACMG Guidelines, 2015. Collection method: clinical testing. Allele origin: unknown.

NM_000384.3(APOB):c.4260A>C (p.Leu1420=)

Gene: APOB (apolipoprotein B; minus strand). Cytogenetic location: 2p24.1.
Variant type: single nucleotide variant.
Coding change: c.4260A>C on transcript NM_000384.3 (MANE Select); coding-DNA position 4260, A replaced by C.
Protein change: p.Leu1420=; no amino-acid change (leucine 1420 retained).
Molecular consequence: synonymous variant.
Genome position (GRCh38, 1-based): chr2:21,012,608, T>G on the plus strand (A>C on the coding strand, the complement: APOB is on the minus strand). VCF-style: chr2-21012608-T-G. GRCh37 (hg19) VCF-style: chr2-21235480-T-G.
Other names: c.4260A>C (NM_000384.2).
Identifiers: ClinVar variation 1608724 (VCV001608724.12), dbSNP rs753403908, ClinGen allele CA060777.
Genomic context (GRCh38, chr2:21,012,608, plus strand): 5'-TACATGACTGAATTTGATATTCGAATCTAGAAATTTGTGGCGTAGAGACCCATCACATGA[T>G]AGTGTGAACGTATTCTTGTGGTCATATGTTGTTTCTCCAGATCCTAACATAAAAATGAAA-3'
Protein context (NP_000375.3, residues 1410-1430): TTYDHKNTFT[Leu1420=]SCDGSLRHKF